The following is an entry in ClinVar:

ClinVar aggregate classification (germline): Uncertain significance. Review status: criteria provided, multiple submitters, no conflicts (2 of 4 stars). 3 submissions from 3 submitters: Uncertain significance (3). Last evaluated 2025-11-26.

Conditions:
Ataxia-telangiectasia syndrome (AT). Also called: ATAXIA-TELANGIECTASIA, COMPLEMENTATION GROUP A; ATAXIA-TELANGIECTASIA, FRESNO VARIANT; Ataxia-telangiectasia; Ataxia-telangiectasia, complementation group E; LOUIS-BAR SYNDROME; Cerebello-oculocutaneous telangiectasia. Identifiers: Orphanet 100, MedGen C0004135, MONDO:0008840, OMIM 208900.
Hereditary cancer-predisposing syndrome. Also called: Tumor predisposition; Hereditary Cancer Syndrome; Hereditary neoplastic syndrome; Neoplastic Syndromes, Hereditary. Identifiers: Orphanet 140162, MedGen C0027672, MeSH D009386, MONDO:0015356.

Allele frequency attached by ClinVar (database versions not stated): ExAC 0.00001.
gnomAD v4.1: 1 of 1,611,736 alleles (0.000062%); highest among the groups gnomAD compares: Non-Finnish European, 0.000085%; no homozygotes.

Submissions (3):

Ambry Genetics
Classification: Uncertain significance for Hereditary cancer-predisposing syndrome. Last evaluated: 2025-11-26. Review status: criteria provided, single submitter. Criteria: Ambry Variant Classification Scheme 2023. Collection method: clinical testing. Allele origin: germline.
Comment: The c.7969A>C (p.K2657Q) alteration is located in exon 54 (coding exon 53) of the ATM gene. This alteration results from a A to C substitution at nucleotide position 7969, causing the lysine (K) at amino acid position 2657 to be replaced by a glutamine (Q). Based on data from gnomAD, the C allele has an overall frequency of <0.001% (1/251250) total alleles studied. The highest observed frequency was 0.001% (1/113568) of European (non-Finnish) alleles. Based on insufficient or conflicting evidence, the clinical significance of this alteration remains unclear.

Labcorp Genetics (formerly Invitae), Labcorp
Classification: Uncertain significance for Ataxia-telangiectasia syndrome. Last evaluated: 2025-05-04. Review status: criteria provided, single submitter. Criteria: Invitae Variant Classification Sherloc (09022015). Collection method: clinical testing. Allele origin: germline.
Comment: This sequence change replaces lysine, which is basic and polar, with glutamine, which is neutral and polar, at codon 2657 of the ATM protein (p.Lys2657Gln). This variant is present in population databases (rs755706903, gnomAD 0.0009%). This variant has not been reported in the literature in individuals affected with ATM-related conditions. ClinVar contains an entry for this variant (Variation ID: 2076220). Invitae Evidence Modeling of protein sequence and biophysical properties (such as structural, functional, and spatial information, amino acid conservation, physicochemical variation, residue mobility, and thermodynamic stability) indicates that this missense variant is not expected to disrupt ATM protein function with a negative predictive value of 95%. In summary, the available evidence is currently insufficient to determine the role of this variant in disease. Therefore, it has been classified as a Variant of Uncertain Significance.

Center for Genomic Medicine, Rigshospitalet, Copenhagen University Hospital
Classification: Uncertain significance. Last evaluated: 2025-03-04. Review status: criteria provided, single submitter. Criteria: ACMG Guidelines, 2015. Collection method: clinical testing. Allele origin: germline.

NM_000051.4(ATM):c.7969A>C (p.Lys2657Gln)

Genes: ATM (ATM serine/threonine kinase; plus strand), C11orf65 (chromosome 11 open reading frame 65; minus strand). Cytogenetic location: 11q22.3.
Variant type: single nucleotide variant.
Coding change: c.7969A>C on transcript NM_000051.4 (MANE Select); coding-DNA position 7969, A replaced by C.
Protein change: p.Lys2657Gln; replaces lysine 2657 with glutamine.
Molecular consequence: missense variant. On other transcripts: intron variant (2).
Genome position (GRCh38, 1-based): chr11:108,333,927, A>C. VCF-style: chr11-108333927-A-C. GRCh37 (hg19) VCF-style: chr11-108204654-A-C.
Other names: c.7969A>C, p.Lys2657Gln (NM_001351834.2); c.641-24856T>G (NM_001330368.2); c.*38+1293T>G (NM_001351110.2); short protein forms K2657Q.
Identifiers: ClinVar variation 2076220 (VCV002076220.8), dbSNP rs755706903, ClinGen allele CA6266230.